The following is an entry in ClinVar:

NM_001002295.2(GATA3):c.307C>G (p.Leu103Val)

Gene: GATA3 (GATA binding protein 3; plus strand). Cytogenetic location: 10p14.
Variant type: single nucleotide variant.
Coding change: c.307C>G on transcript NM_001002295.2 (MANE Select); coding-DNA position 307, C replaced by G.
Protein change: p.Leu103Val; replaces leucine 103 with valine.
Molecular consequence: missense variant.
Genome position (GRCh38, 1-based): chr10:8,058,370, C>G. VCF-style: chr10-8058370-C-G. GRCh37 (hg19) VCF-style: chr10-8100333-C-G.
Other names: c.307C>G, p.Leu103Val (NM_002051.3); short protein forms L103V.
Identifiers: ClinVar variation 2907052 (VCV002907052.3), dbSNP rs1832679983, ClinGen allele CA375966940.

ClinVar aggregate classification (germline): Uncertain significance (1 of 4 stars; one submission).

Allele frequency attached by ClinVar (database versions not stated): gnomAD exomes below 0.00001; gnomAD 0.00001.
gnomAD v4.1: 2 of 1,612,860 alleles (0.00012%); highest among the groups gnomAD compares: African/African-American, 0.0013%; no homozygotes.

Submission:

Labcorp Genetics (formerly Invitae), Labcorp
Classification: Uncertain significance. Last evaluated: 2023-11-24. Review status: criteria provided, single submitter. Criteria: Invitae Variant Classification Sherloc (09022015). Collection method: clinical testing. Allele origin: germline.
Comment: This sequence change replaces leucine, which is neutral and non-polar, with valine, which is neutral and non-polar, at codon 103 of the GATA3 protein (p.Leu103Val). This variant is not present in population databases (gnomAD no frequency). This variant has not been reported in the literature in individuals affected with GATA3-related conditions. An algorithm developed to predict the effect of missense changes on protein structure and function (PolyPhen-2) suggests that this variant is likely to be tolerated. In summary, the available evidence is currently insufficient to determine the role of this variant in disease. Therefore, it has been classified as a Variant of Uncertain Significance.